The following is an entry in ClinVar:

NM_006361.6(HOXB13):c.62C>A (p.Ala21Glu)

Gene: HOXB13 (homeobox B13; minus strand). Cytogenetic location: 17q21.32.
Variant type: single nucleotide variant.
Coding change: c.62C>A on transcript NM_006361.6 (MANE Select); coding-DNA position 62, C replaced by A.
Protein change: p.Ala21Glu; replaces alanine 21 with glutamic acid.
Molecular consequence: missense variant.
Genome position (GRCh38, 1-based): chr17:48,728,532, G>T on the plus strand (C>A on the coding strand, the complement: HOXB13 is on the minus strand). VCF-style: chr17-48728532-G-T. GRCh37 (hg19) VCF-style: chr17-46805894-G-T.
Other names: short protein forms A21E.
Identifiers: ClinVar variation 2050649 (VCV002050649.5), dbSNP rs772484566, ClinGen allele CA400109646.

ClinVar aggregate classification (germline): Uncertain significance. Review status: criteria provided, multiple submitters, no conflicts (2 of 4 stars). 2 submissions from 2 submitters: Uncertain significance (2). Last evaluated 2023-10-16.

Submissions (2):

GeneDx
Classification: Uncertain significance. Last evaluated: 2023-10-16. Review status: criteria provided, single submitter. Criteria: GeneDx Variant Classification Process June 2021. Collection method: clinical testing. Allele origin: germline. Affected: yes.
Comment: Not observed at significant frequency in large population cohorts (gnomAD); In silico analysis supports that this missense variant does not alter protein structure/function; Has not been previously published as pathogenic or benign to our knowledge

Labcorp Genetics (formerly Invitae), Labcorp
Classification: Uncertain significance. Last evaluated: 2022-10-13. Review status: criteria provided, single submitter. Criteria: Invitae Variant Classification Sherloc (09022015). Collection method: clinical testing. Allele origin: germline.
Comment: In summary, the available evidence is currently insufficient to determine the role of this variant in disease. Therefore, it has been classified as a Variant of Uncertain Significance. Algorithms developed to predict the effect of missense changes on protein structure and function (SIFT, PolyPhen-2, Align-GVGD) all suggest that this variant is likely to be tolerated. This variant has not been reported in the literature in individuals affected with HOXB13-related conditions. This variant is not present in population databases (gnomAD no frequency). This sequence change replaces alanine, which is neutral and non-polar, with glutamic acid, which is acidic and polar, at codon 21 of the HOXB13 protein (p.Ala21Glu).